The following is an entry in ClinVar:

NM_001330063.2(ANKFY1):c.2181G>A (p.Thr727=)

Gene: ANKFY1 (ankyrin repeat and FYVE domain containing 1; minus strand). Cytogenetic location: 17p13.2.
Variant type: single nucleotide variant.
Coding change: c.2181G>A on transcript NM_001330063.2 (MANE Select); coding-DNA position 2181, G replaced by A.
Protein change: p.Thr727=; no amino-acid change (threonine 727 retained).
Molecular consequence: synonymous variant. On other transcripts: non-coding transcript variant (1).
Genome position (GRCh38, 1-based): chr17:4,181,313, C>T on the plus strand (G>A on the coding strand, the complement: ANKFY1 is on the minus strand). VCF-style: chr17-4181313-C-T. GRCh37 (hg19) VCF-style: chr17-4084608-C-T.
Other names: c.2307G>A, p.Thr769= (NM_001257999.3); c.2184G>A, p.Thr728= (NM_016376.5); c.2307G>A (NM_001257999.2).
Identifiers: ClinVar variation 1182333 (VCV001182333.5), dbSNP rs117382496, ClinGen allele CA8301219.

ClinVar aggregate classification (germline): Benign. Review status: criteria provided, multiple submitters, no conflicts (2 of 4 stars). 3 submissions from 3 submitters: Benign (2). 1 of the submissions does not count toward it. Last evaluated 2021-05-05.

Conditions:
ANKFY1-related disorder. Also called: ANKFY1-related condition.

Allele frequency attached by ClinVar (database versions not stated): ESP Exome Variant Server 0.00016; gnomAD exomes 0.00161 and 0.00650; gnomAD 0.00218 and 0.00301; TOPMed 0.00337; ExAC 0.00605; 1000 Genomes Project 30x 0.01733; 1000 Genomes Project 0.01837.
gnomAD v4.1: 3,008 of 1,614,172 alleles (0.19%); highest among the groups gnomAD compares: East Asian, 4.9%; 97 homozygotes.

Submissions (3):

GeneDx
Classification: Benign. Last evaluated: 2021-05-05. Review status: criteria provided, single submitter. Criteria: GeneDx Variant Classification Process June 2021. Collection method: clinical testing. Allele origin: germline. Affected: yes.

Breakthrough Genomics
Classification: Benign. Review status: criteria provided, single submitter. Criteria: ACMG Guidelines, 2015. Collection method: not provided. Allele origin: germline. Inheritance: Unknown mechanism. Affected: yes.

PreventionGenetics, part of Exact Sciences
Classification: Benign for ANKFY1-related condition. Last evaluated: 2022-11-30. Review status: no assertion criteria provided. Collection method: clinical testing. Allele origin: germline. Not counted in ClinVar's aggregate classification.
Comment: This variant is classified as benign based on ACMG/AMP sequence variant interpretation guidelines (Richards et al. 2015 PMID: 25741868, with internal and published modifications).